The following is an entry in ClinVar:

NM_031229.4(RBCK1):c.1A>G (p.Met1Val)

Gene: RBCK1 (RANBP2-type and C3HC4-type zinc finger containing 1; plus strand). Cytogenetic location: 20p13.
Variant type: single nucleotide variant.
Coding change: c.1A>G on transcript NM_031229.4 (MANE Select); coding-DNA position 1, A replaced by G.
Protein change: p.Met1Val; changes the start codon (methionine 1).
Molecular consequence: missense variant, initiator codon variant. On other transcripts: 5 prime UTR variant (2), non-coding transcript variant (1).
Genome position (GRCh38, 1-based): chr20:408,758, A>G. VCF-style: chr20-408758-A-G. GRCh37 (hg19) VCF-style: chr20-389402-A-G.
Other names: c.-349A>G (NM_001323956.2); c.-204A>G (NM_001323958.2); c.1A>G, p.Met1Val (NM_001323960.2, NM_001410770.1); c.20A>G, p.Asp7Gly (NM_006462.6); short protein forms D7G, M1V.
Identifiers: ClinVar variation 3650551 (VCV003650551.2).
Genomic context (GRCh38, chr20:408,758, plus strand): 5'-GGAGGTAGCATTTCCCAGGAGGCACGGTCCCCCCCAGGGGGATGGGCACAGCCACGCCAG[A>G]TGGACGAGAAGACCAAGAAAGGTGGGCACAGGCTGGAGGTGGCTGGGGAACTTCCGGTGG-3'
Protein context (NP_112506.2, residues 1-11): [Met1Val]DEKTKKAEEM

ClinVar aggregate classification (germline): Uncertain significance (1 of 4 stars; one submission).

Conditions:
Polyglucosan body myopathy type 1 (PGBM1). Also called: Polyglucosan body myopathy 1 with or without immunodeficiency; POLYGLUCOSAN BODY MYOPATHY WITHOUT IMMUNODEFICIENCY. Identifiers: Orphanet 329173, Orphanet 397937, MedGen C4014605, MONDO:0014389, OMIM 615895.

Submission:

Labcorp Genetics (formerly Invitae), Labcorp
Classification: Uncertain significance for Polyglucosan body myopathy type 1. Last evaluated: 2024-09-27. Review status: criteria provided, single submitter. Criteria: Invitae Variant Classification Sherloc (09022015). Collection method: clinical testing. Allele origin: germline.
Comment: This sequence change affects the initiator methionine of the RBCK1 mRNA. The next in-frame methionine is located at codon 11. This variant is not present in population databases (gnomAD no frequency). This variant has not been reported in the literature in individuals affected with RBCK1-related conditions. Experimental studies and prediction algorithms are not available or were not evaluated, and the functional significance of this variant is currently unknown. In summary, the available evidence is currently insufficient to determine the role of this variant in disease. Therefore, it has been classified as a Variant of Uncertain Significance.